The following is an entry in ClinVar:

ClinVar aggregate classification (germline): Uncertain significance. Review status: criteria provided, single submitter (1 of 4 stars). 2 submissions from 2 submitters: Uncertain significance (1). 1 of the submissions does not count toward it. Last evaluated 2022-06-20.

Conditions:
Retinitis pigmentosa (RP). Identifiers: Orphanet 791, MedGen C0035334, MeSH D012174, MONDO:0019200, OMIM 268000. Inheritance: Autosomal dominant, autosomal recessive and X linked inheritance.

Allele frequency attached by ClinVar (database versions not stated): gnomAD exomes below 0.00001; TOPMed below 0.00001; gnomAD 0.00001.
gnomAD v4.1: 14 of 1,614,164 alleles (0.00087%); highest among the groups gnomAD compares: Non-Finnish European, 0.0011%; no homozygotes.

Submissions (2):

Labcorp Genetics (formerly Invitae), Labcorp
Classification: Uncertain significance. Last evaluated: 2022-06-20. Review status: criteria provided, single submitter. Criteria: Invitae Variant Classification Sherloc (09022015). Collection method: clinical testing. Allele origin: germline.
Comment: This sequence change replaces glutamic acid, which is acidic and polar, with glutamine, which is neutral and polar, at codon 312 of the FAM161A protein (p.Glu312Gln). This variant is present in population databases (no rsID available, gnomAD 0.0009%). This variant has not been reported in the literature in individuals affected with FAM161A-related conditions. ClinVar contains an entry for this variant (Variation ID: 840223). Algorithms developed to predict the effect of missense changes on protein structure and function are either unavailable or do not agree on the potential impact of this missense change (SIFT: "Tolerated"; PolyPhen-2: "Probably Damaging"; Align-GVGD: "Class C0"). In summary, the available evidence is currently insufficient to determine the role of this variant in disease. Therefore, it has been classified as a Variant of Uncertain Significance.

Natera, Inc.
Classification: Uncertain significance for Retinitis pigmentosa. Last evaluated: 2020-09-16. Review status: no assertion criteria provided. Collection method: clinical testing. Allele origin: germline. Not counted in ClinVar's aggregate classification.

NM_001201543.2(FAM161A):c.934G>C (p.Glu312Gln)

Gene: FAM161A (FAM161 centrosomal protein A; minus strand). Cytogenetic location: 2p15.
Variant type: single nucleotide variant.
Coding change: c.934G>C on transcript NM_001201543.2 (MANE Select); coding-DNA position 934, G replaced by C.
Protein change: p.Glu312Gln; replaces glutamic acid 312 with glutamine.
Molecular consequence: missense variant. On other transcripts: non-coding transcript variant (1).
Genome position (GRCh38, 1-based): chr2:61,840,070, C>G on the plus strand (G>C on the coding strand, the complement: FAM161A is on the minus strand). VCF-style: chr2-61840070-C-G. GRCh37 (hg19) VCF-style: chr2-62067205-C-G.
Other names: c.934G>C, p.Glu312Gln (NM_032180.3); short protein forms E312Q.
Identifiers: ClinVar variation 840223 (VCV000840223.5), dbSNP rs1166920376, ClinGen allele CA346987800.